The following is an entry in ClinVar:

NM_001371986.1(UNC80):c.5966A>C (p.Gln1989Pro)

Gene: UNC80 (unc-80 subunit of NALCN channel complex; plus strand). Cytogenetic location: 2q34.
Variant type: single nucleotide variant.
Coding change: c.5966A>C on transcript NM_001371986.1 (MANE Select); coding-DNA position 5966, A replaced by C.
Protein change: p.Gln1989Pro; replaces glutamine 1989 with proline.
Molecular consequence: missense variant.
Genome position (GRCh38, 1-based): chr2:209,931,026, A>C. VCF-style: chr2-209931026-A-C. GRCh37 (hg19) VCF-style: chr2-210795750-A-C.
Other names: c.5768A>C (NM_032504.1); c.5768A>C, p.Gln1923Pro (NM_032504.2); c.5753A>C, p.Gln1918Pro (NM_182587.4); short protein forms Q1923P, Q1989P, Q1918P.
Identifiers: ClinVar variation 1955440 (VCV001955440.6), dbSNP rs2090821184, ClinGen allele CA350767479.

ClinVar aggregate classification (germline): Uncertain significance. Review status: criteria provided, multiple submitters, no conflicts (2 of 4 stars). 2 submissions from 2 submitters: Uncertain significance (2). Last evaluated 2024-12-04.

Conditions:
Inborn genetic diseases. Identifiers: MedGen C0950123, MeSH D030342.

Allele frequency attached by ClinVar (database versions not stated): TOPMed below 0.00001.

Submissions (2):

Ambry Genetics
Classification: Uncertain significance for Inborn genetic diseases. Last evaluated: 2024-12-04. Review status: criteria provided, single submitter. Criteria: Ambry Variant Classification Scheme 2023. Collection method: clinical testing. Allele origin: germline.

Labcorp Genetics (formerly Invitae), Labcorp
Classification: Uncertain significance. Last evaluated: 2021-12-21. Review status: criteria provided, single submitter. Criteria: Invitae Variant Classification Sherloc (09022015). Collection method: clinical testing. Allele origin: germline.
Comment: In summary, the available evidence is currently insufficient to determine the role of this variant in disease. Therefore, it has been classified as a Variant of Uncertain Significance. Algorithms developed to predict the effect of missense changes on protein structure and function are either unavailable or do not agree on the potential impact of this missense change (SIFT: "Not Available"; PolyPhen-2: "Probably Damaging"; Align-GVGD: "Not Available"). This variant has not been reported in the literature in individuals affected with UNC80-related conditions. This variant is not present in population databases (gnomAD no frequency). This sequence change replaces glutamine, which is neutral and polar, with proline, which is neutral and non-polar, at codon 1923 of the UNC80 protein (p.Gln1923Pro).